The following is an entry in ClinVar:

NM_005121.3(MED13):c.6410A>G (p.Tyr2137Cys)

Gene: MED13 (mediator complex subunit 13; minus strand). Cytogenetic location: 17q23.2.
Variant type: single nucleotide variant.
Coding change: c.6410A>G on transcript NM_005121.3 (MANE Select); coding-DNA position 6410, A replaced by G.
Protein change: p.Tyr2137Cys; replaces tyrosine 2137 with cysteine.
Molecular consequence: missense variant.
Genome position (GRCh38, 1-based): chr17:61,946,583, T>C on the plus strand (A>G on the coding strand, the complement: MED13 is on the minus strand). VCF-style: chr17-61946583-T-C. GRCh37 (hg19) VCF-style: chr17-60023944-T-C.
Other names: c.6410A>G (NM_005121.2); short protein forms Y2137C.
Identifiers: ClinVar variation 2498716 (VCV002498716.29), dbSNP rs772654173, ClinGen allele CA8691910.
Genomic context (GRCh38, chr17:61,946,583, plus strand): 5'-GGGAGACATGAGCGTCTGTCCTGGGTTGCAGGGTCACAGGTTAGCCAGGAGAGTGCATTG[T>C]ACTGTTCCAAAACAAACCTGAAAAGCAAATAAACTGCATAAGTCATTTATTTATTTCCAA-3'
Protein context (NP_005112.2, residues 2127-2147): SDVLRFVLEQ[Tyr2137Cys]NALSWLTCDP

ClinVar aggregate classification (germline): Uncertain significance. Review status: criteria provided, multiple submitters, no conflicts (2 of 4 stars). 2 submissions from 2 submitters: Uncertain significance (2). Last evaluated 2026-05-23.

Conditions:
Inborn genetic diseases. Identifiers: MedGen C0950123, MeSH D030342.

Allele frequency attached by ClinVar (database versions not stated): ExAC 0.00001; gnomAD 0.00001; gnomAD exomes 0.00001; TOPMed 0.00001.
gnomAD v4.1: 13 of 1,612,982 alleles (0.00081%); highest among the groups gnomAD compares: Non-Finnish European, 0.0011%; no homozygotes.

Submissions (2):

Ambry Genetics
Classification: Uncertain significance for Inborn genetic diseases. Last evaluated: 2026-05-23. Review status: criteria provided, single submitter. Criteria: Ambry Variant Classification Scheme 2023. Collection method: clinical testing. Allele origin: germline.
Comment: The c.6410A>G (p.Y2137C) alteration is located in exon 30 (coding exon 30) of the MED13 gene. This alteration results from a A to G substitution at nucleotide position 6410, causing the tyrosine (Y) at amino acid position 2137 to be replaced by a cysteine (C). Based on data from gnomAD, the G allele has an overall frequency of <0.001% (1/247418) total alleles studied. The highest observed frequency was <0.001% (/) of alleles. Based on insufficient or conflicting evidence, the clinical significance of this alteration remains unclear.

CeGaT Center for Human Genetics Tuebingen
Classification: Uncertain significance. Last evaluated: 2023-03-01. Review status: criteria provided, single submitter. Criteria: CeGaT Center For Human Genetics Tuebingen Variant Classification Criteria Version 2. Collection method: clinical testing. Allele origin: germline. Affected: yes. Observed: 1 variant allele.
Comment: MED13: PP3